The following is an entry in ClinVar:

ClinVar aggregate classification (germline): Uncertain significance (1 of 4 stars; one submission).

Conditions:
Severe combined immunodeficiency due to DNA-PKcs deficiency. Also called: IMMUNODEFICIENCY 26 WITH NEUROLOGIC ABNORMALITIES; Immunodeficiency 26 with or without neurologic abnormalities. Identifiers: Orphanet 317425, MedGen C4014833, MONDO:0014423, OMIM 615966.

Allele frequency attached by ClinVar (database versions not stated): ExAC 0.00001.

Submission:

Labcorp Genetics (formerly Invitae), Labcorp
Classification: Uncertain significance for Severe combined immunodeficiency due to DNA-PKcs deficiency. Last evaluated: 2025-04-22. Review status: criteria provided, single submitter. Criteria: Invitae Variant Classification Sherloc (09022015). Collection method: clinical testing. Allele origin: germline.
Comment: This sequence change replaces histidine, which is basic and polar, with arginine, which is basic and polar, at codon 2777 of the PRKDC protein (p.His2777Arg). This variant is present in population databases (rs773153062, gnomAD 0.0009%). This variant has not been reported in the literature in individuals affected with PRKDC-related conditions. ClinVar contains an entry for this variant (Variation ID: 1937910). Invitae Evidence Modeling of protein sequence and biophysical properties (such as structural, functional, and spatial information, amino acid conservation, physicochemical variation, residue mobility, and thermodynamic stability) indicates that this missense variant is not expected to disrupt PRKDC protein function with a negative predictive value of 80%. In summary, the available evidence is currently insufficient to determine the role of this variant in disease. Therefore, it has been classified as a Variant of Uncertain Significance.

NM_006904.7(PRKDC):c.8330A>G (p.His2777Arg)

Gene: PRKDC (protein kinase, DNA-activated, catalytic subunit; minus strand). Cytogenetic location: 8q11.21.
Variant type: single nucleotide variant.
Coding change: c.8330A>G on transcript NM_006904.7 (MANE Select); coding-DNA position 8330, A replaced by G.
Protein change: p.His2777Arg; replaces histidine 2777 with arginine.
Molecular consequence: missense variant.
Genome position (GRCh38, 1-based): chr8:47,830,672, T>C on the plus strand (A>G on the coding strand, the complement: PRKDC is on the minus strand). VCF-style: chr8-47830672-T-C. GRCh37 (hg19) VCF-style: chr8-48743233-T-C.
Other names: c.8330A>G, p.His2777Arg (NM_001081640.2); short protein forms H2777R.
Identifiers: ClinVar variation 1937910 (VCV001937910.5), dbSNP rs773153062, ClinGen allele CA4739852.